The following is an entry in ClinVar:

NM_022489.4(INF2):c.1280C>G (p.Pro427Arg)

Gene: INF2 (inverted formin 2; plus strand). Cytogenetic location: 14q32.33.
Variant type: single nucleotide variant.
Coding change: c.1280C>G on transcript NM_022489.4 (MANE Select); coding-DNA position 1280, C replaced by G.
Protein change: p.Pro427Arg; replaces proline 427 with arginine.
Molecular consequence: missense variant. On other transcripts: non-coding transcript variant (1).
Genome position (GRCh38, 1-based): chr14:104,707,547, C>G. VCF-style: chr14-104707547-C-G. GRCh37 (hg19) VCF-style: chr14-105173884-C-G.
Other names: c.1280C>G, p.Pro427Arg (NM_001031714.4, NM_001426862.1, NM_001426863.1 and 2 more transcripts); short protein forms P427R.
Identifiers: ClinVar variation 4794843 (VCV004794843.1).

ClinVar aggregate classification (germline): Uncertain significance (1 of 4 stars; one submission).

Conditions:
Focal segmental glomerulosclerosis 5 (FSGS5). Identifiers: Orphanet 656, MedGen C2750475, MONDO:0013191, OMIM 613237.
Charcot-Marie-Tooth disease dominant intermediate E. Also called: CHARCOT-MARIE-TOOTH NEUROPATHY WITH FOCAL SEGMENTAL GLOMERULONEPHRITIS. Identifiers: Orphanet 93114, MedGen C4302667, MONDO:0013758, OMIM 614455.

Submission:

Labcorp Genetics (formerly Invitae), Labcorp
Classification: Uncertain significance for Charcot-Marie-Tooth disease dominant intermediate E; Focal segmental glomerulosclerosis 5. Last evaluated: 2025-05-13. Review status: criteria provided, single submitter. Criteria: Invitae Variant Classification Sherloc (09022015). Collection method: clinical testing. Allele origin: germline.
Comment: This sequence change replaces proline, which is neutral and non-polar, with arginine, which is basic and polar, at codon 427 of the INF2 protein (p.Pro427Arg). This variant is not present in population databases (gnomAD no frequency). This variant has not been reported in the literature in individuals affected with INF2-related conditions. Invitae Evidence Modeling of protein sequence and biophysical properties (such as structural, functional, and spatial information, amino acid conservation, physicochemical variation, residue mobility, and thermodynamic stability) indicates that this missense variant is not expected to disrupt INF2 protein function with a negative predictive value of 95%. In summary, the available evidence is currently insufficient to determine the role of this variant in disease. Therefore, it has been classified as a Variant of Uncertain Significance.